The following is an entry in ClinVar:

ClinVar aggregate classification (germline): Likely pathogenic (1 of 4 stars; one submission).

Conditions:
Hyperlipoproteinemia, type I. Also called: HYPERLIPOPROTEINEMIA, TYPE IA; LPL DEFICIENCY; Hyperlipoproteinemia type 1; Hyperchylomicro-nemia familial; Familial chylomicronemia; Hyperlipemia idiopathic Burger-Grutz type. Identifiers: Orphanet 309015, Orphanet 444490, MedGen C0023817, MONDO:0009387, OMIM 238600. Disease mechanism: loss of function.

gnomAD v4.1: 8 of 1,614,054 alleles (0.0005%); highest among the groups gnomAD compares: African/African-American, 0.0027%; no homozygotes.

Submission:

Natera, Inc.
Classification: Likely pathogenic for Lipoprotein lipase deficiency. Last evaluated: 2025-09-29. Review status: criteria provided, single submitter. Criteria: Natera Variant Classification Schema (03/2026). Collection method: clinical testing. Allele origin: germline.
Comment: The c.997C>T variant in LPL is a missense variant predicted to cause substitution of arginine to cysteine at amino acid 333. This variant is rare in the general population with a frequency below the threshold expected for the associated phenotype(s). This variant has been observed in one or more individuals affected with the associated recessive disease, as either homozygous or compound heterozygous with a second variant (PMID: 36689289). A different variant at the same position has been determined to be Pathogenic or Likely Pathogenic. Computational prediction algorithms indicate this variant is likely to affect gene or protein function. Given the available evidence, this variant is classified as Likely Pathogenic.

Literature cited by the submitters: PubMed 36689289.

NM_000237.3(LPL):c.997C>T (p.Arg333Cys)

Gene: LPL (lipoprotein lipase; plus strand). Cytogenetic location: 8p21.3.
Variant type: single nucleotide variant.
Coding change: c.997C>T on transcript NM_000237.3 (MANE Select); coding-DNA position 997, C replaced by T.
Protein change: p.Arg333Cys; replaces arginine 333 with cysteine.
Molecular consequence: missense variant.
Genome position (GRCh38, 1-based): chr8:19,956,062, C>T. VCF-style: chr8-19956062-C-T. GRCh37 (hg19) VCF-style: chr8-19813573-C-T.
Other names: short protein forms R333C.
Identifiers: ClinVar variation 4817968 (VCV004817968.1).